The following is an entry in ClinVar:

NM_000179.3(MSH6):c.1201G>A (p.Asp401Asn)

Gene: MSH6 (mutS homolog 6; plus strand). Cytogenetic location: 2p16.3.
Variant type: single nucleotide variant.
Coding change: c.1201G>A on transcript NM_000179.3 (MANE Select); coding-DNA position 1201, G replaced by A.
Protein change: p.Asp401Asn; replaces aspartic acid 401 with asparagine.
Molecular consequence: missense variant.
Genome position (GRCh38, 1-based): chr2:47,799,184, G>A. VCF-style: chr2-47799184-G-A. GRCh37 (hg19) VCF-style: chr2-48026323-G-A.
Other names: c.811G>A, p.Asp271Asn (NM_001281492.2); c.295G>A, p.Asp99Asn (NM_001281493.2, NM_001281494.2); short protein forms D99N, D271N, D401N.
Identifiers: ClinVar variation 944113 (VCV000944113.15), dbSNP rs1669308138, ClinGen allele CA346743416.

ClinVar aggregate classification (germline): Uncertain significance. Review status: criteria provided, multiple submitters, no conflicts (2 of 4 stars). 3 submissions from 3 submitters: Uncertain significance (3). Last evaluated 2025-09-03.

Conditions:
Hereditary nonpolyposis colorectal neoplasms. Identifiers: MedGen C0009405, MeSH D003123.
Hereditary cancer-predisposing syndrome. Also called: Neoplastic Syndromes, Hereditary; Hereditary Cancer Syndrome; Tumor predisposition; Hereditary neoplastic syndrome. Identifiers: Orphanet 140162, MedGen C0027672, MeSH D009386, MONDO:0015356.

gnomAD v4.1: 3 of 1,614,160 alleles (0.00019%); no homozygotes.

Submissions (3):

Ambry Genetics
Classification: Uncertain significance for Hereditary cancer-predisposing syndrome. Last evaluated: 2025-09-03. Review status: criteria provided, single submitter. Criteria: Ambry Variant Classification Scheme 2023. Collection method: clinical testing. Allele origin: germline.
Comment: The p.D401N variant (also known as c.1201G>A), located in coding exon 4 of the MSH6 gene, results from a G to A substitution at nucleotide position 1201. The aspartic acid at codon 401 is replaced by asparagine, an amino acid with highly similar properties. This amino acid position is well conserved in available vertebrate species. In addition, the in silico prediction for this alteration is inconclusive. Based on the available evidence, the clinical significance of this variant remains unclear.

Labcorp Genetics (formerly Invitae), Labcorp
Classification: Uncertain significance for Hereditary nonpolyposis colorectal neoplasms. Last evaluated: 2024-02-01. Review status: criteria provided, single submitter. Criteria: Invitae Variant Classification Sherloc (09022015). Collection method: clinical testing. Allele origin: germline.
Comment: This sequence change replaces aspartic acid, which is acidic and polar, with asparagine, which is neutral and polar, at codon 401 of the MSH6 protein (p.Asp401Asn). This variant is not present in population databases (gnomAD no frequency). This variant has not been reported in the literature in individuals affected with MSH6-related conditions. ClinVar contains an entry for this variant (Variation ID: 944113). Advanced modeling of protein sequence and biophysical properties (such as structural, functional, and spatial information, amino acid conservation, physicochemical variation, residue mobility, and thermodynamic stability) performed at Invitae indicates that this missense variant is not expected to disrupt MSH6 protein function with a negative predictive value of 95%. In summary, the available evidence is currently insufficient to determine the role of this variant in disease. Therefore, it has been classified as a Variant of Uncertain Significance.

Women's Health and Genetics/Laboratory Corporation of America, LabCorp
Classification: Uncertain significance. Last evaluated: 2023-12-15. Review status: criteria provided, single submitter. Criteria: LabCorp Variant Classification Summary - May 2015. Collection method: clinical testing. Allele origin: germline.